The following is an entry in ClinVar:

NM_001194998.2(CEP152):c.1200_1219del (p.Asp400fs)

Gene: CEP152 (centrosomal protein 152; minus strand). Cytogenetic location: 15q21.1.
Variant type: Deletion.
Coding change: c.1200_1219del on transcript NM_001194998.2 (MANE Select); coding-DNA positions 1200 to 1219, 20 bases deleted (TCACGTGAAACAACTGGAAA).
Protein change: p.Asp400fs; shifts the reading frame from aspartic acid 400.
Molecular consequence: frameshift variant.
Genome position (GRCh38, 1-based): chr15:48,784,075-48,784,094, TTTCCAGTTGTTTCACGTGA deleted on the plus strand (TCACGTGAAACAACTGGAAA on the coding strand, the reverse complement: CEP152 is on the minus strand); deleting any 20 consecutive bases within chr15:48,784,075-48,784,095 gives the same sequence; the c. name uses the placement nearest the transcript's 3' end. VCF-style (leftmost placement, unchanged base first): chr15-48784074-CTTTCCAGTTGTTTCACGTGA-C. GRCh37 (hg19) VCF-style: chr15-49076271-CTTTCCAGTTGTTTCACGTGA-C.
Other names: c.1200_1219del, p.Asp400fs (NM_014985.4); short protein forms D400fs.
Identifiers: ClinVar variation 2837838 (VCV002837838.3), dbSNP rs770059947, ClinGen allele CA7548905.

ClinVar aggregate classification (germline): Pathogenic (1 of 4 stars; one submission).

Submission:

Labcorp Genetics (formerly Invitae), Labcorp
Classification: Pathogenic. Last evaluated: 2023-08-10. Review status: criteria provided, single submitter. Criteria: Invitae Variant Classification Sherloc (09022015). Collection method: clinical testing. Allele origin: germline.
Comment: For these reasons, this variant has been classified as Pathogenic. This variant has not been reported in the literature in individuals affected with CEP152-related conditions. This variant is present in population databases (rs770059947, gnomAD 0.01%). This sequence change creates a premature translational stop signal (p.Asp400Glufs*12) in the CEP152 gene. It is expected to result in an absent or disrupted protein product. Loss-of-function variants in CEP152 are known to be pathogenic (PMID: 21131973).

Literature cited by the submitters: PubMed 21131973.